The following is an entry in ClinVar:

ClinVar aggregate classification (germline): Uncertain significance. Review status: criteria provided, multiple submitters, no conflicts (2 of 4 stars). 2 submissions from 2 submitters: Uncertain significance (2). Last evaluated 2026-01-20.

Conditions:
Hereditary nonpolyposis colorectal neoplasms. Identifiers: MedGen C0009405, MeSH D003123.
Hereditary cancer-predisposing syndrome. Also called: Hereditary Cancer Syndrome; Hereditary neoplastic syndrome; Tumor predisposition; Neoplastic Syndromes, Hereditary. Identifiers: Orphanet 140162, MedGen C0027672, MeSH D009386, MONDO:0015356.

Allele frequency attached by ClinVar (database versions not stated): gnomAD exomes below 0.00001.
gnomAD v4.1: 3 of 1,606,522 alleles (0.00019%); highest among the groups gnomAD compares: Non-Finnish European, 0.00017%; no homozygotes.

Submissions (2):

Labcorp Genetics (formerly Invitae), Labcorp
Classification: Uncertain significance for Hereditary nonpolyposis colorectal neoplasms. Last evaluated: 2026-01-20. Review status: criteria provided, single submitter. Criteria: Invitae Variant Classification Sherloc (09022015). Collection method: clinical testing. Allele origin: germline.
Comment: This sequence change replaces tryptophan, which is neutral and slightly polar, with cysteine, which is neutral and slightly polar, at codon 776 of the PMS2 protein (p.Trp776Cys). The frequency data for this variant in the population databases (gnomAD) is considered unreliable due to the presence of homologous sequence, such as pseudogenes or paralogs, in the genome. This variant has not been reported in the literature in individuals affected with PMS2-related conditions. ClinVar contains an entry for this variant (Variation ID: 1789676). Invitae Evidence Modeling of protein sequence and biophysical properties (such as structural, functional, and spatial information, amino acid conservation, physicochemical variation, residue mobility, and thermodynamic stability) indicates that this missense variant is expected to disrupt PMS2 protein function with a positive predictive value of 80%. Algorithms developed to predict the effect of sequence changes on RNA splicing suggest that this variant may create or strengthen a splice site. In summary, the available evidence is currently insufficient to determine the role of this variant in disease. Therefore, it has been classified as a Variant of Uncertain Significance.

Ambry Genetics
Classification: Uncertain significance for Hereditary cancer-predisposing syndrome. Last evaluated: 2025-05-02. Review status: criteria provided, single submitter. Criteria: Ambry Variant Classification Scheme 2023. Collection method: clinical testing. Allele origin: germline.
Comment: The p.W776C variant (also known as c.2328G>T), located in coding exon 14 of the PMS2 gene, results from a G to T substitution at nucleotide position 2328. The tryptophan at codon 776 is replaced by cysteine, an amino acid with highly dissimilar properties. This amino acid position is highly conserved in available vertebrate species. In addition, this alteration is predicted to be deleterious by in silico analysis. Based on the available evidence, the clinical significance of this variant remains unclear.

NM_000535.7(PMS2):c.2328G>T (p.Trp776Cys)

Gene: PMS2 (PMS1 homolog 2, mismatch repair system component; minus strand). Cytogenetic location: 7p22.1.
Variant type: single nucleotide variant.
Coding change: c.2328G>T on transcript NM_000535.7 (MANE Select); coding-DNA position 2328, G replaced by T.
Protein change: p.Trp776Cys; replaces tryptophan 776 with cysteine.
Molecular consequence: missense variant. On other transcripts: non-coding transcript variant (1).
Genome position (GRCh38, 1-based): chr7:5,977,705, C>A on the plus strand (G>T on the coding strand, the complement: PMS2 is on the minus strand). VCF-style: chr7-5977705-C-A. GRCh37 (hg19) VCF-style: chr7-6017336-C-A.
Other names: c.1956G>T, p.Trp652Cys (NM_001322009.2, NM_001406887.1, NM_001406888.1); c.1767G>T, p.Trp589Cys (NM_001322010.2, NM_001406906.1, NM_001406907.1); c.1395G>T, p.Trp465Cys (NM_001322011.2, NM_001322012.2); c.1755G>T, p.Trp585Cys (NM_001322013.2, NM_001406908.1, NM_001406909.1); c.2361G>T, p.Trp787Cys (NM_001322014.2); c.2019G>T, p.Trp673Cys (NM_001322015.2, NM_001406877.1, NM_001406878.1 and 4 more transcripts); c.2514G>T, p.Trp838Cys (NM_001406866.1); c.1923G>T, p.Trp641Cys (NM_001018040.1, NM_001322003.2, NM_001322004.2 and 12 more transcripts); and 20 more; short protein forms W375C, W537C, W605C, W618C, W668C, W681C, W710C, W740C.
Identifiers: ClinVar variation 1789676 (VCV001789676.4), dbSNP rs2128674810, ClinGen allele CA366735970.